The following is an entry in ClinVar:

NM_001458.5(FLNC):c.6770dup (p.Ser2258fs)

Genes: FLNC (filamin C; plus strand), FLNC-AS1 (FLNC antisense RNA 1; minus strand). Cytogenetic location: 7q32.1.
Variant type: Duplication.
Coding change: c.6770dup on transcript NM_001458.5 (MANE Select); coding-DNA position 6770, one base duplicated (C; older notation c.6770dupC).
Protein change: p.Ser2258fs; shifts the reading frame from serine 2258.
Molecular consequence: frameshift variant.
Genome position (GRCh38, 1-based): chr7:128,854,455, C duplicated; the last of 3 consecutive C bases (chr7:128,854,453-128,854,455); duplicating any one gives the same sequence. VCF-style (leftmost placement, unchanged base first): chr7-128854452-G-GC. GRCh37 (hg19) VCF-style: chr7-128494506-G-GC.
Other names: c.6671dup, p.Ser2225fs (NM_001127487.2); short protein forms S2225fs, S2258fs.
Identifiers: ClinVar variation 2127858 (VCV002127858.4), dbSNP rs2536664763, ClinGen allele CA2580076521.

ClinVar aggregate classification (germline): Pathogenic (1 of 4 stars; one submission).

Conditions:
Myofibrillar myopathy 5. Also called: Filaminopathy (type); FILAMINOPATHY, AUTOSOMAL DOMINANT. Identifiers: Orphanet 171445, MedGen C1836050, MONDO:0012289, OMIM 609524.
Hypertrophic cardiomyopathy 26. Also called: Cardiomyopathy, familial hypertrophic, 26. Identifiers: Orphanet 75249, MedGen C4310749, MONDO:0014883, OMIM 617047.
Distal myopathy with posterior leg and anterior hand involvement. Also called: WILLIAMS DISTAL MYOPATHY. Identifiers: Orphanet 63273, MedGen C3279722, MONDO:0013550, OMIM 614065.

Submission:

Labcorp Genetics (formerly Invitae), Labcorp
Classification: Pathogenic for Distal myopathy with posterior leg and anterior hand involvement; Myofibrillar myopathy 5; Hypertrophic cardiomyopathy 26. Last evaluated: 2024-01-08. Review status: criteria provided, single submitter. Criteria: Invitae Variant Classification Sherloc (09022015). Collection method: clinical testing. Allele origin: germline.
Comment: This sequence change creates a premature translational stop signal (p.Ser2258Ilefs*54) in the FLNC gene. It is expected to result in an absent or disrupted protein product. Loss-of-function variants in FLNC are known to be pathogenic (PMID: 27908349). This variant is not present in population databases (gnomAD no frequency). This variant has not been reported in the literature in individuals affected with FLNC-related conditions. ClinVar contains an entry for this variant (Variation ID: 2127858). For these reasons, this variant has been classified as Pathogenic.

Literature cited by the submitters: PubMed 27908349.